The following is an entry in ClinVar:

NM_004172.5(SLC1A3):c.36G>A (p.Gly12=)

Gene: SLC1A3 (solute carrier family 1 member 3; plus strand). Cytogenetic location: 5p13.2.
Variant type: single nucleotide variant.
Coding change: c.36G>A on transcript NM_004172.5 (MANE Select); coding-DNA position 36, G replaced by A.
Protein change: p.Gly12=; no amino-acid change (glycine 12 retained).
Molecular consequence: synonymous variant.
Genome position (GRCh38, 1-based): chr5:36,608,459, G>A. VCF-style: chr5-36608459-G-A. GRCh37 (hg19) VCF-style: chr5-36608561-G-A.
Other names: c.36G>A, p.Gly12= (NM_001166695.3, NM_001166696.3, NM_001289939.2 and 1 more transcripts).
Identifiers: ClinVar variation 448407 (VCV000448407.29), dbSNP rs752951426, ClinGen allele CA3235313.
Genomic context (GRCh38, chr5:36,608,459, plus strand): 5'-AGAGACCCTCCTAGAAAAGTAAAATATGACTAAAAGCAATGGAGAAGAGCCCAAGATGGG[G>A]GGCAGGATGGAGAGATTCCAGCAGGGAGTCCGTAAACGCACACTTTTGGCCAAGAAGAAA-3'
Protein context (NP_004163.3, residues 2-22): TKSNGEEPKM[Gly12=]GRMERFQQGV

ClinVar aggregate classification (germline): Likely benign. Review status: criteria provided, multiple submitters, no conflicts (2 of 4 stars). 4 submissions from 4 submitters: Likely benign (4). Last evaluated 2026-05-01.

Allele frequency attached by ClinVar (database versions not stated): ExAC 0.00001; gnomAD exomes 0.00002; gnomAD 0.00006; TOPMed 0.00006.
gnomAD v4.1: 186 of 1,613,940 alleles (0.012%); highest among the groups gnomAD compares: Non-Finnish European, 0.014%; 1 homozygote.

Submissions (4):

CeGaT Center for Human Genetics Tuebingen
Classification: Likely benign. Last evaluated: 2026-05-01. Review status: criteria provided, single submitter. Criteria: CeGaT Center For Human Genetics Tuebingen Variant Classification Criteria Version 2. Collection method: clinical testing. Allele origin: germline. Affected: yes. Observed: 4 variant alleles.
Comment: SLC1A3: BP4, BP7

Blueprint Genetics
Classification: Likely benign. Last evaluated: 2024-04-30. Review status: criteria provided, single submitter. Criteria: ACMG Guidelines, 2015. Collection method: clinical testing. Allele origin: germline.

Labcorp Genetics (formerly Invitae), Labcorp
Classification: Likely benign. Last evaluated: 2023-04-30. Review status: criteria provided, single submitter. Criteria: Invitae Variant Classification Sherloc (09022015). Collection method: clinical testing. Allele origin: germline.

Athena Diagnostics
Classification: Likely benign. Last evaluated: 2017-03-03. Review status: criteria provided, single submitter. Criteria: Athena Diagnostics Criteria. Collection method: clinical testing. Allele origin: germline.